The following is an entry in ClinVar:

NM_001035.3(RYR2):c.8775C>T (p.Phe2925=)

Gene: RYR2 (ryanodine receptor 2; plus strand). Cytogenetic location: 1q43.
Variant type: single nucleotide variant.
Coding change: c.8775C>T on transcript NM_001035.3 (MANE Select); coding-DNA position 8775, C replaced by T.
Protein change: p.Phe2925=; no amino-acid change (phenylalanine 2925 retained).
Molecular consequence: synonymous variant.
Genome position (GRCh38, 1-based): chr1:237,674,791, C>T. VCF-style: chr1-237674791-C-T. GRCh37 (hg19) VCF-style: chr1-237838091-C-T.
Identifiers: ClinVar variation 2568274 (VCV002568274.30), dbSNP rs959152280, ClinGen allele CA39819855.

ClinVar aggregate classification (germline): Likely benign. Review status: criteria provided, multiple submitters, no conflicts (2 of 4 stars). 3 submissions from 3 submitters: Likely benign (3). Last evaluated 2024-02-09.

Conditions:
Cardiovascular phenotype. Identifiers: MedGen CN230736.
Catecholaminergic polymorphic ventricular tachycardia 1. Also called: VENTRICULAR TACHYCARDIA, CATECHOLAMINERGIC POLYMORPHIC, 1, WITH OR WITHOUT ATRIAL DYSFUNCTION AND/OR DILATED CARDIOMYOPATHY; RYR2-Related Catecholaminergic Polymorphic Ventricular Tachycardia; VENTRICULAR TACHYCARDIA, STRESS-INDUCED POLYMORPHIC 1. Identifiers: Orphanet 3286, MedGen C1631597, MONDO:0011484, OMIM 604772.

Allele frequency attached by ClinVar (database versions not stated): gnomAD exomes below 0.00001.
gnomAD v4.1: 8 of 1,612,526 alleles (0.0005%); highest among the groups gnomAD compares: Non-Finnish European, 0.00042%; no homozygotes.

Submissions (3):

Labcorp Genetics (formerly Invitae), Labcorp
Classification: Likely benign for Catecholaminergic polymorphic ventricular tachycardia 1. Last evaluated: 2024-02-09. Review status: criteria provided, single submitter. Criteria: Invitae Variant Classification Sherloc (09022015). Collection method: clinical testing. Allele origin: germline.

CeGaT Center for Human Genetics Tuebingen
Classification: Likely benign. Last evaluated: 2023-10-01. Review status: criteria provided, single submitter. Criteria: CeGaT Center For Human Genetics Tuebingen Variant Classification Criteria Version 2. Collection method: clinical testing. Allele origin: germline. Affected: yes. Observed: 1 variant allele.
Comment: RYR2: PM2:Supporting, BP4, BP7

Ambry Genetics
Classification: Likely benign for Cardiovascular phenotype. Last evaluated: 2023-05-11. Review status: criteria provided, single submitter. Criteria: Ambry Variant Classification Scheme 2023. Collection method: clinical testing. Allele origin: germline.